The following is an entry in ClinVar:

NM_000122.2(ERCC3):c.1270G>A (p.Glu424Lys)

Gene: ERCC3 (ERCC excision repair 3, TFIIH core complex helicase subunit; minus strand). Cytogenetic location: 2q14.3.
Variant type: single nucleotide variant.
Coding change: c.1270G>A on transcript NM_000122.2 (MANE Select); coding-DNA position 1270, G replaced by A.
Protein change: p.Glu424Lys; replaces glutamic acid 424 with lysine.
Molecular consequence: missense variant.
Genome position (GRCh38, 1-based): chr2:127,286,775, C>T on the plus strand (G>A on the coding strand, the complement: ERCC3 is on the minus strand). VCF-style: chr2-127286775-C-T. GRCh37 (hg19) VCF-style: chr2-128044351-C-T.
Other names: c.1078G>A, p.Glu360Lys (NM_001303416.2, NM_001303418.2); short protein forms E360K, E424K.
Identifiers: ClinVar variation 2180659 (VCV002180659.4), dbSNP rs200098409, ClinGen allele CA1858322.
Genomic context (GRCh38, chr2:127,286,775, plus strand): 5'-GCACTTCATCCAGGATCATGAGGCCCCACTCCTGGGTCTTGAGCCACTCCATGACTCGCT[C>T]GGCCTCCCAGGACCTTTTGGTGGTGTGGCCCAGCATGGAGTAGGTGCTAATGGCAACGGA-3'
Protein context (NP_000113.1, residues 414-434): GHTTKRSWEA[Glu424Lys]RVMEWLKTQE

ClinVar aggregate classification (germline): Conflicting classifications of pathogenicity. Review status: criteria provided, conflicting classifications (1 of 4 stars). 3 submissions from 3 submitters: Uncertain significance (2); Benign (1). Last evaluated 2025-04-25.

Conditions:
Ovarian cancer. Also called: OVARIAN CANCER, SOMATIC. Identifiers: Orphanet 213500, MedGen C1140680, MONDO:0008170, OMIM 167000.

Allele frequency attached by ClinVar (database versions not stated): ExAC 0.00005; TOPMed 0.00003; gnomAD 0.00004.
gnomAD v4.1: 48 of 1,614,136 alleles (0.003%); highest among the groups gnomAD compares: Middle Eastern, 0.016%; no homozygotes.

Submissions (3):

GeneDx
Classification: Uncertain significance. Last evaluated: 2025-04-25. Review status: criteria provided, single submitter. Criteria: GeneDx Variant Classification Process June 2021. Collection method: clinical testing. Allele origin: germline. Affected: yes.
Comment: In silico analysis indicates that this missense variant does not alter protein structure/function; Has not been previously published as pathogenic or benign to our knowledge

Labcorp Genetics (formerly Invitae), Labcorp
Classification: Uncertain significance. Last evaluated: 2022-04-03. Review status: criteria provided, single submitter. Criteria: Invitae Variant Classification Sherloc (09022015). Collection method: clinical testing. Allele origin: germline.
Comment: This sequence change replaces glutamic acid, which is acidic and polar, with lysine, which is basic and polar, at codon 424 of the ERCC3 protein (p.Glu424Lys). This variant is present in population databases (rs200098409, gnomAD 0.02%). This variant has not been reported in the literature in individuals affected with ERCC3-related conditions. Algorithms developed to predict the effect of missense changes on protein structure and function are either unavailable or do not agree on the potential impact of this missense change (SIFT: "Deleterious"; PolyPhen-2: "Possibly Damaging"; Align-GVGD: "Class C0"). In summary, the available evidence is currently insufficient to determine the role of this variant in disease. Therefore, it has been classified as a Variant of Uncertain Significance.

Laboratory of Molecular Epidemiology of Birth Defects, West China Second University Hospital, Sichuan University
Classification: Benign for Ovarian cancer. Last evaluated: 2022-01-01. Review status: criteria provided, single submitter. Criteria: ACMG Guidelines, 2015. Collection method: clinical testing. Allele origin: germline. Affected: yes.